The following is an entry in ClinVar:

NM_139027.6(ADAMTS13):c.2302C>T (p.Arg768Cys)

Gene: ADAMTS13 (ADAM metallopeptidase with thrombospondin type 1 motif 13; plus strand). Cytogenetic location: 9q34.2.
Variant type: single nucleotide variant.
Coding change: c.2302C>T on transcript NM_139027.6 (MANE Select); coding-DNA position 2302, C replaced by T.
Protein change: p.Arg768Cys; replaces arginine 768 with cysteine.
Molecular consequence: missense variant.
Genome position (GRCh38, 1-based): chr9:133,443,443, C>T. VCF-style: chr9-133443443-C-T. GRCh37 (hg19) VCF-style: chr9-136308564-C-T.
Other names: c.2302C>T, p.Arg768Cys (NM_139025.5); c.2209C>T, p.Arg737Cys (NM_139026.6); short protein forms R737C, R768C.
Identifiers: ClinVar variation 1986166 (VCV001986166.3), dbSNP rs782206311, ClinGen allele CA200934803.

ClinVar aggregate classification (germline): Uncertain significance. Review status: criteria provided, multiple submitters, no conflicts (2 of 4 stars). 2 submissions from 2 submitters: Uncertain significance (2). Last evaluated 2024-01-09.

Conditions:
Upshaw-Schulman syndrome (TTP). Also called: Congenital thrombotic thrombocytopenic purpura; THROMBOTIC THROMBOCYTOPENIC PURPURA, HEREDITARY. Identifiers: Orphanet 93583, MedGen C1268935, MONDO:0010122, OMIM 274150.

Allele frequency attached by ClinVar (database versions not stated): gnomAD 0.00001; ExAC 0.00002; TOPMed 0.00002.
gnomAD v4.1: 30 of 1,594,058 alleles (0.0019%); highest among the groups gnomAD compares: African/African-American, 0.004%; no homozygotes.

Submissions (2):

Fulgent Genetics
Classification: Uncertain significance for Upshaw-Schulman syndrome. Last evaluated: 2024-01-09. Review status: criteria provided, single submitter. Criteria: ACMG Guidelines, 2015. Collection method: clinical testing. Allele origin: germline.

Labcorp Genetics (formerly Invitae), Labcorp
Classification: Uncertain significance. Last evaluated: 2022-07-17. Review status: criteria provided, single submitter. Criteria: Invitae Variant Classification Sherloc (09022015). Collection method: clinical testing. Allele origin: germline.
Comment: In summary, the available evidence is currently insufficient to determine the role of this variant in disease. Therefore, it has been classified as a Variant of Uncertain Significance. Algorithms developed to predict the effect of missense changes on protein structure and function output the following: SIFT: "Deleterious"; PolyPhen-2: "Probably Damaging"; Align-GVGD: "Class C0". The cysteine amino acid residue is found in multiple mammalian species, which suggests that this missense change does not adversely affect protein function. This variant has not been reported in the literature in individuals affected with ADAMTS13-related conditions. The frequency data for this variant in the population databases is considered unreliable, as metrics indicate poor data quality at this position in the gnomAD database. This sequence change replaces arginine, which is basic and polar, with cysteine, which is neutral and slightly polar, at codon 768 of the ADAMTS13 protein (p.Arg768Cys).